The following is an entry in ClinVar:

NM_006445.4(PRPF8):c.230C>T (p.Thr77Ile)

Gene: PRPF8 (pre-mRNA processing factor 8; minus strand). Cytogenetic location: 17p13.3.
Variant type: single nucleotide variant.
Coding change: c.230C>T on transcript NM_006445.4 (MANE Select); coding-DNA position 230, C replaced by T.
Protein change: p.Thr77Ile; replaces threonine 77 with isoleucine.
Molecular consequence: missense variant.
Genome position (GRCh38, 1-based): chr17:1,683,572, G>A on the plus strand (C>T on the coding strand, the complement: PRPF8 is on the minus strand). VCF-style: chr17-1683572-G-A. GRCh37 (hg19) VCF-style: chr17-1586866-G-A.
Other names: short protein forms T77I.
Identifiers: ClinVar variation 2115864 (VCV002115864.4), dbSNP rs2543787588, ClinGen allele CA397570734.

ClinVar aggregate classification (germline): Uncertain significance (1 of 4 stars; one submission).

Submission:

Labcorp Genetics (formerly Invitae), Labcorp
Classification: Uncertain significance. Last evaluated: 2022-03-23. Review status: criteria provided, single submitter. Criteria: Invitae Variant Classification Sherloc (09022015). Collection method: clinical testing. Allele origin: germline.
Comment: In summary, the available evidence is currently insufficient to determine the role of this variant in disease. Therefore, it has been classified as a Variant of Uncertain Significance. This sequence change replaces threonine, which is neutral and polar, with isoleucine, which is neutral and non-polar, at codon 77 of the PRPF8 protein (p.Thr77Ile). This variant is not present in population databases (gnomAD no frequency). This variant has not been reported in the literature in individuals affected with PRPF8-related conditions. Algorithms developed to predict the effect of missense changes on protein structure and function are either unavailable or do not agree on the potential impact of this missense change (SIFT: "Deleterious"; PolyPhen-2: "Benign"; Align-GVGD: "Class C0").